The following is an entry in ClinVar:

NM_002693.3(POLG):c.3167A>C (p.Glu1056Ala)

Gene: POLG (DNA polymerase gamma, catalytic subunit; minus strand). Cytogenetic location: 15q26.1.
Variant type: single nucleotide variant.
Coding change: c.3167A>C on transcript NM_002693.3 (MANE Select); coding-DNA position 3167, A replaced by C.
Protein change: p.Glu1056Ala; replaces glutamic acid 1056 with alanine.
Molecular consequence: missense variant.
Genome position (GRCh38, 1-based): chr15:89,319,037, T>G on the plus strand (A>C on the coding strand, the complement: POLG is on the minus strand). VCF-style: chr15-89319037-T-G. GRCh37 (hg19) VCF-style: chr15-89862268-T-G.
Other names: p.E1056A:GAA>GCA; c.3167A>C, p.Glu1056Ala (NM_001126131.2); short protein forms E1056A.
Identifiers: ClinVar variation 206473 (VCV000206473.5), dbSNP rs768571276, ClinGen allele CA316600.

ClinVar aggregate classification (germline): Conflicting classifications of pathogenicity. Review status: criteria provided, conflicting classifications (1 of 4 stars). 3 submissions from 3 submitters: Uncertain significance (1); Likely benign (1). 1 of the submissions does not count toward it. Last evaluated 2025-03-31.

Conditions:
POLG-related disorder. Also called: POLG-related condition; POLG-Related Disorders; POLG-Related Spectrum Disorders. Identifiers: MedGen C4763519.
Progressive sclerosing poliodystrophy (MTDPS4A). Also called: ALPERS DIFFUSE DEGENERATION OF CEREBRAL GRAY MATTER WITH HEPATIC CIRRHOSIS; Alpers-Huttenlocher Syndrome; ALPERS PROGRESSIVE INFANTILE POLIODYSTROPHY; NEURONAL DEGENERATION OF CHILDHOOD WITH LIVER DISEASE, PROGRESSIVE; Mitochondrial DNA Depletion Syndrome 4A; Alpers-Huttenlocher Syndrome (AHS). Identifiers: Orphanet 726, MedGen C0205710, MONDO:0008758, OMIM 203700.

Allele frequency attached by ClinVar (database versions not stated): gnomAD exomes below 0.00001.
gnomAD v4.1: 2 of 1,614,160 alleles (0.00012%); highest among the groups gnomAD compares: Non-Finnish European, 0.00017%; no homozygotes.

Submissions (3):

Labcorp Genetics (formerly Invitae), Labcorp
Classification: Uncertain significance for Progressive sclerosing poliodystrophy. Last evaluated: 2025-03-31. Review status: criteria provided, single submitter. Criteria: Invitae Variant Classification Sherloc (09022015). Collection method: clinical testing. Allele origin: germline.
Comment: This sequence change replaces glutamic acid, which is acidic and polar, with alanine, which is neutral and non-polar, at codon 1056 of the POLG protein (p.Glu1056Ala). This variant is not present in population databases (gnomAD no frequency). This variant has not been reported in the literature in individuals affected with POLG-related conditions. ClinVar contains an entry for this variant (Variation ID: 206473). Invitae Evidence Modeling of protein sequence and biophysical properties (such as structural, functional, and spatial information, amino acid conservation, physicochemical variation, residue mobility, and thermodynamic stability) has been performed for this missense variant. However, the output from this modeling did not meet the statistical confidence thresholds required to predict the impact of this variant on POLG protein function. In summary, the available evidence is currently insufficient to determine the role of this variant in disease. Therefore, it has been classified as a Variant of Uncertain Significance.

GeneDx
Classification: Likely benign. Last evaluated: 2012-08-03. Review status: criteria provided, single submitter. Criteria: GeneDx Variant Classification (06012015). Collection method: clinical testing. Allele origin: germline. Affected: yes.
Comment: This variant is considered likely benign or benign based on one or more of the following criteria: it is a conservative change, it occurs at a poorly conserved position in the protein, it is predicted to be benign by multiple in silico algorithms, and/or has population frequency not consistent with disease.

PreventionGenetics, part of Exact Sciences
Classification: Uncertain significance for POLG-related condition. Last evaluated: 2024-06-06. Review status: no assertion criteria provided. Collection method: clinical testing. Allele origin: germline. Not counted in ClinVar's aggregate classification.
Comment: The POLG c.3167A>C variant is predicted to result in the amino acid substitution p.Glu1056Ala. To our knowledge, this variant has not been reported in the literature or in a large population database, indicating this variant is rare. At this time, the clinical significance of this variant is uncertain due to the absence of conclusive functional and genetic evidence.